The following continues an entry in ClinVar:

NM_007294.4(BRCA1):c.3625T>G (p.Leu1209Val)

ClinVar aggregate classification (germline): Conflicting classifications of pathogenicity. Uncertain significance (11); Likely benign (1).

Submissions 10 to 14 of 14:

Quest Diagnostics Nichols Institute San Juan Capistrano
Classification: Uncertain significance. Last evaluated: 2022-09-21. Review status: criteria provided, single submitter. Criteria: Quest Diagnostics criteria. Collection method: clinical testing. Allele origin: unknown.
Comment: The frequency of this variant in the general population, 0.000008 (2/251266 chromosomes), is uninformative in assessment of its pathogenicity. In the published literature, the variant has been reported in individuals with breast cancer (PMIDs: 28222693 (2017), 17972177 (2007), 31835058 (2020), and 33471991 (2021), see also LOVD) and unaffected individuals (PMIDs: 28222693 (2017) and 33471991 (2021), see also LOVD), as well as individuals with urothelial carcinoma and lung squamous cell carcinoma (PMID: 29625052 (2018)). Use of in silico models and likelihood ratios show conflicting results. Some studies predict the variant is non-pathogenic (PMID: 33087888 (2021)), while others predict it is pathogenic (PMID: 29625052 (2018)). Analysis of this variant using bioinformatics tools for the prediction of the effect of amino acid changes on protein structure and function yielded conflicting predictions that this variant is benign or damaging. Based on the available information, we are unable to determine the clinical significance of this variant.

Women's Health and Genetics/Laboratory Corporation of America, LabCorp
Classification: Uncertain significance. Last evaluated: 2022-05-04. Review status: criteria provided, single submitter. Criteria: LabCorp Variant Classification Summary - May 2015. Collection method: clinical testing. Allele origin: germline.
Comment: Variant summary: BRCA1 c.3625T>G (p.Leu1209Val) results in a conservative amino acid change in the encoded protein sequence. Three of five in-silico tools predict a damaging effect of the variant on protein function. The variant allele was found at a frequency of 8e-06 in 251266 control chromosomes. The available data on variant occurrences in the general population are insufficient to allow any conclusion about variant significance. c.3625T>G has been reported in the literature in individuals affected with Breast Cancer (example, Purnomosari_2007, Lai_2017). These report(s) do not provide unequivocal conclusions about association of the variant with Hereditary Breast And Ovarian Cancer Syndrome. To our knowledge, no experimental evidence demonstrating an impact on protein function has been reported. Three clinical diagnostic laboratories have submitted clinical-significance assessments for this variant to ClinVar after 2014 without evidence for independent evaluation. All laboratories classified the variant as uncertain significance. Based on the evidence outlined above, the variant was classified as uncertain significance.

Department of Pathology and Laboratory Medicine, Sinai Health System
Classification: Uncertain significance for Familial cancer of breast; Breast-ovarian cancer, familial, susceptibility to, 1; Fanconi anemia, complementation group S. Last evaluated: 2022-01-27. Review status: criteria provided, single submitter. Criteria: ACMG Guidelines, 2015. Collection method: clinical testing. Allele origin: germline. Affected: yes.

Breast Cancer Information Core (BIC) (BRCA1)
Classification: Uncertain significance for Breast-ovarian cancer, familial 1. Last evaluated: 2010-09-18. Review status: no assertion criteria provided. Collection method: clinical testing. Allele origin: germline. Affected: yes. Observed: 1 variant allele. Not counted in ClinVar's aggregate classification.

Sharing Clinical Reports Project (SCRP)
Classification: Uncertain significance for Breast-ovarian cancer, familial 1. Last evaluated: 2009-10-30. Review status: no assertion criteria provided. Collection method: clinical testing. Allele origin: germline. Not counted in ClinVar's aggregate classification.

Literature cited by the submitters: PubMed 17972177 (cited by 7 submitters); PubMed 28222693 (cited by 7 submitters); PubMed 29625052 (cited by 3 submitters); PubMed 32546644 (cited by Center for Genomic Medicine, Rigshospitalet, Copenhagen University Hospital); PubMed 33471991 (cited by Color Diagnostics, LLC DBA Color Health and Quest Diagnostics Nichols Institute San Juan Capistrano); PubMed 31853058 (cited by Quest Diagnostics Nichols Institute San Juan Capistrano); PubMed 33087888 (cited by Quest Diagnostics Nichols Institute San Juan Capistrano).